The following is an entry in ClinVar:

ClinVar aggregate classification (germline): Pathogenic (1 of 4 stars; one submission).

Conditions:
Sudden unexplained death. Identifiers: MedGen C0520806.

Submission:

Agnes Ginges Centre for Molecular Cardiology, Centenary Institute
Classification: Pathogenic for Sudden unexplained death. Last evaluated: 2018-09-14. Review status: criteria provided, single submitter. Criteria: ACMG Guidelines, 2015. Collection method: research. Allele origin: de novo. Inheritance: Autosomal dominant inheritance. Affected: yes.
Comment: PKP2 p.Tyr797Ter has not been previously reported and is absent from the Genome Aggregation Database. As such, because the variant is rare, has been identified as de novo and results in premature truncation of PKP2, we classify PKP2 p.Tyr797Ter as 'pathogenic'.

NM_001005242.3(PKP2):c.2259C>A (p.Tyr753Ter)

Gene: PKP2 (plakophilin 2; minus strand). Cytogenetic location: 12p11.21.
Variant type: single nucleotide variant.
Coding change: c.2259C>A on transcript NM_001005242.3 (MANE Select); coding-DNA position 2259, C replaced by A.
Protein change: p.Tyr753Ter; replaces tyrosine 753 with a stop codon.
Molecular consequence: nonsense.
Genome position (GRCh38, 1-based): chr12:32,796,207, G>T on the plus strand (C>A on the coding strand, the complement: PKP2 is on the minus strand). VCF-style: chr12-32796207-G-T. GRCh37 (hg19) VCF-style: chr12-32949141-G-T.
Other names: c.2391C>A, p.Tyr797Ter (NM_004572.4); short protein forms Y753*, Y797*.
Identifiers: ClinVar variation 870075 (VCV000870075.1), dbSNP rs1181152684, ClinGen allele CA384357790.